The following is an entry in ClinVar:

NM_080425.4(GNAS):c.134C>T (p.Pro45Leu)

Gene: GNAS (GNAS complex locus; plus strand). Cytogenetic location: 20q13.32.
Variant type: single nucleotide variant.
Coding change: c.134C>T on transcript NM_080425.4 (MANE Plus Clinical); coding-DNA position 134, C replaced by T.
Protein change: p.Pro45Leu; replaces proline 45 with leucine.
Molecular consequence: missense variant. On other transcripts: 5 prime UTR variant (2), intron variant (3).
Genome position (GRCh38, 1-based): chr20:58,853,399, C>T. VCF-style: chr20-58853399-C-T. GRCh37 (hg19) VCF-style: chr20-57428454-C-T.
Other names: c.-54C>T (NM_001077490.3, NM_001309883.1); c.134C>T, p.Pro45Leu (NM_001410913.1); c.*42+12513C>T (NM_016592.5); c.43+12513C>T (NM_001410912.1); c.-39+11524C>T (NM_001309861.2); short protein forms P45L.
Identifiers: ClinVar variation 4281402 (VCV004281402.7).
Genomic context (GRCh38, chr20:58,853,399, plus strand): 5'-AGCCCGAGCAACCACCTTTGGAGGCCCCAGGGGCAGCTGCCCCCGGTGCTGGGCCTAGCC[C>T]AGCCGAAGAGATGGAGACCGAACCGCCTCACAACGAGCCCATCCCCGTCGAGAATGATGG-3'
Protein context (NP_536350.2, residues 35-55): GAAAPGAGPS[Pro45Leu]AEEMETEPPH

ClinVar aggregate classification (germline): Uncertain significance (1 of 4 stars; one submission).

gnomAD v4.1: 5 of 1,570,714 alleles (0.00032%); highest among the groups gnomAD compares: Non-Finnish European, 0.00043%; no homozygotes.

Submission:

CeGaT Center for Human Genetics Tuebingen
Classification: Uncertain significance. Last evaluated: 2025-09-01. Review status: criteria provided, single submitter. Criteria: CeGaT Center For Human Genetics Tuebingen Variant Classification Criteria Version 2. Collection method: clinical testing. Allele origin: germline. Affected: yes. Observed: 1 variant allele.
Comment: GNAS: PM2